The following is an entry in ClinVar:

ClinVar aggregate classification (germline): Uncertain significance (1 of 4 stars; one submission).

Submission:

Labcorp Genetics (formerly Invitae), Labcorp
Classification: Uncertain significance. Last evaluated: 2025-05-02. Review status: criteria provided, single submitter. Criteria: Invitae Variant Classification Sherloc (09022015). Collection method: clinical testing. Allele origin: germline.
Comment: This sequence change replaces glutamine, which is neutral and polar, with histidine, which is basic and polar, at codon 457 of the ITSN2 protein (p.Gln457His). This variant is not present in population databases (gnomAD no frequency). This variant has not been reported in the literature in individuals affected with ITSN2-related conditions. Experimental studies and prediction algorithms are not available or were not evaluated, and the functional significance of this variant is currently unknown. In summary, the available evidence is currently insufficient to determine the role of this variant in disease. Therefore, it has been classified as a Variant of Uncertain Significance.

NM_006277.3(ITSN2):c.1371A>C (p.Gln457His)

Gene: ITSN2 (intersectin 2; minus strand). Cytogenetic location: 2p23.3.
Variant type: single nucleotide variant.
Coding change: c.1371A>C on transcript NM_006277.3 (MANE Select); coding-DNA position 1371, A replaced by C.
Protein change: p.Gln457His; replaces glutamine 457 with histidine.
Molecular consequence: missense variant.
Genome position (GRCh38, 1-based): chr2:24,298,788, T>G on the plus strand (A>C on the coding strand, the complement: ITSN2 is on the minus strand). VCF-style: chr2-24298788-T-G. GRCh37 (hg19) VCF-style: chr2-24521657-T-G.
Other names: c.1329A>C, p.Gln443His (NM_001348181.2, NM_001348184.2); c.1371A>C, p.Gln457His (NM_001348182.2, NM_001348183.2, NM_001348185.2 and 3 more transcripts); short protein forms Q443H, Q457H.
Identifiers: ClinVar variation 4718454 (VCV004718454.1).
Genomic context (GRCh38, chr2:24,298,788, plus strand): 5'-TTCTCTATTCTTTTGATTGAGAAGCTCCTGTCGCCGAATTCTCTCCCATTCTAAGCGACG[T>G]TGTCGTTCAAGTTCCTGTTTTGCTGCCTGAAAAAAAAAAGGAATTATACTTAATTTTTAA-3'
Protein context (NP_006268.2, residues 447-467): REAAKQELER[Gln457His]RRLEWERIRR